The following is an entry in ClinVar:

ClinVar aggregate classification (germline): Uncertain significance. Review status: criteria provided, multiple submitters, no conflicts (2 of 4 stars). 2 submissions from 2 submitters: Uncertain significance (2). Last evaluated 2023-04-18.

Conditions:
Deficiency of hyaluronoglucosaminidase (MPS9). Also called: Mucopolysaccharidosis type 9; HYALURONIDASE DEFICIENCY; MPS IX. Identifiers: Orphanet 67041, MedGen C1291490, MONDO:0011093, OMIM 601492.

Allele frequency attached by ClinVar (database versions not stated): TOPMed 0.00001; gnomAD exomes 0.00002; ExAC 0.00003; ESP Exome Variant Server 0.00008.
gnomAD v4.1: 34 of 1,614,104 alleles (0.0021%); highest among the groups gnomAD compares: East Asian, 0.0067%; no homozygotes.

Submissions (2):

Ambry Genetics
Classification: Uncertain significance. Last evaluated: 2023-04-18. Review status: criteria provided, single submitter. Criteria: Ambry Variant Classification Scheme 2023. Collection method: clinical testing. Allele origin: germline.

Labcorp Genetics (formerly Invitae), Labcorp
Classification: Uncertain significance for Deficiency of hyaluronoglucosaminidase. Last evaluated: 2020-08-20. Review status: criteria provided, single submitter. Criteria: Invitae Variant Classification Sherloc (09022015). Collection method: clinical testing. Allele origin: germline.
Comment: This sequence change replaces alanine with threonine at codon 250 of the HYAL1 protein (p.Ala250Thr). The alanine residue is weakly conserved and there is a small physicochemical difference between alanine and threonine. This variant is present in population databases (rs142160277, ExAC 0.02%). This variant has not been reported in the literature in individuals with HYAL1-related conditions. Algorithms developed to predict the effect of missense changes on protein structure and function output the following: SIFT: "Tolerated"; PolyPhen-2: "Benign"; Align-GVGD: "Class C0". The threonine amino acid residue is found in multiple mammalian species, suggesting that this missense change does not adversely affect protein function. These predictions have not been confirmed by published functional studies and their clinical significance is uncertain. In summary, the available evidence is currently insufficient to determine the role of this variant in disease. Therefore, it has been classified as a Variant of Uncertain Significance.

NM_033159.4(HYAL1):c.748G>A (p.Ala250Thr)

Gene: HYAL1 (hyaluronidase 1; minus strand). Cytogenetic location: 3p21.31.
Variant type: single nucleotide variant.
Coding change: c.748G>A on transcript NM_033159.4 (MANE Select); coding-DNA position 748, G replaced by A.
Protein change: p.Ala250Thr; replaces alanine 250 with threonine.
Molecular consequence: missense variant. On other transcripts: non-coding transcript variant (1), intron variant (1).
Genome position (GRCh38, 1-based): chr3:50,302,209, C>T on the plus strand (G>A on the coding strand, the complement: HYAL1 is on the minus strand). VCF-style: chr3-50302209-C-T. GRCh37 (hg19) VCF-style: chr3-50339640-C-T.
Other names: c.748G>A, p.Ala250Thr (NM_007312.3, NM_153281.2, NM_153282.3); c.202G>A, p.Ala68Thr (NM_153283.3); c.-26-4G>A (NM_153285.3); c.748G>A (NM_153281.1); short protein forms A68T, A250T.
Identifiers: ClinVar variation 2147091 (VCV002147091.3), dbSNP rs142160277, ClinGen allele CA2415876.